The following is an entry in ClinVar:

ClinVar aggregate classification (germline): Uncertain significance (1 of 4 stars; one submission).

Submission:

GeneDx
Classification: Uncertain significance. Last evaluated: 2023-07-06. Review status: criteria provided, single submitter. Criteria: GeneDx Variant Classification Process June 2021. Collection method: clinical testing. Allele origin: germline. Affected: yes.
Comment: Not observed at significant frequency in large population cohorts (gnomAD); In silico analysis supports a deleterious effect on protein structure/function; Has not been previously published as pathogenic or benign to our knowledge

NM_001164508.2(NEB):c.20360_20365delinsTCAGTA (p.Thr6787_Asp6789delinsIleSerAsn)

Gene: NEB (nebulin; minus strand). Cytogenetic location: 2q23.3.
Variant type: Indel.
Coding change: c.20360_20365delinsTCAGTA on transcript NM_001164508.2 (MANE Select); coding-DNA positions 20360 to 20365, CCAGTG replaced by TCAGTA.
Protein change: p.Thr6787_Asp6789delinsIleSerAsn.
Molecular consequence: missense variant.
Genome position (GRCh38, 1-based): chr2:151,547,431-151,547,436, CACTGG replaced by TACTGA on the plus strand (CCAGTG replaced by TCAGTA on the coding strand, the reverse complement: NEB is on the minus strand). VCF-style: chr2-151547431-CACTGG-TACTGA. GRCh37 (hg19) VCF-style: chr2-152403945-CACTGG-TACTGA.
Other names: c.20360_20365delinsTCAGTA, p.Thr6787_Asp6789delinsIleSerAsn (NM_001164507.2, NM_001271208.2); c.20360_20365delCCAGTGinsTCAGTA, p.Thr6787_Asp6789delinsIleSerAsn (NM_001271208.1); c.15257_15262delinsTCAGTA, p.Thr5086_Asp5088delinsIleSerAsn (NM_004543.5).
Identifiers: ClinVar variation 2571806 (VCV002571806.1), dbSNP rs2552178660, ClinGen allele CA2580616851.